The following is an entry in ClinVar:

ClinVar aggregate classification (germline): Uncertain significance (1 of 4 stars; one submission).

Allele frequency attached by ClinVar (database versions not stated): TOPMed below 0.00001; gnomAD 0.00001.
gnomAD v4.1: 4 of 1,580,358 alleles (0.00025%); highest among the groups gnomAD compares: African/African-American, 0.0054%; no homozygotes.

Submission:

Labcorp Genetics (formerly Invitae), Labcorp
Classification: Uncertain significance. Last evaluated: 2022-03-03. Review status: criteria provided, single submitter. Criteria: Invitae Variant Classification Sherloc (09022015). Collection method: clinical testing. Allele origin: germline.
Comment: ClinVar contains an entry for this variant (Variation ID: 963442). In summary, the available evidence is currently insufficient to determine the role of this variant in disease. Therefore, it has been classified as a Variant of Uncertain Significance. Algorithms developed to predict the effect of sequence changes on RNA splicing suggest that this variant may disrupt the consensus splice site. Algorithms developed to predict the effect of missense changes on protein structure and function are either unavailable or do not agree on the potential impact of this missense change (SIFT: "Deleterious"; PolyPhen-2: "Benign"; Align-GVGD: "Class C0"). This variant has not been reported in the literature in individuals affected with SLC24A1-related conditions. This variant is not present in population databases (gnomAD no frequency). This sequence change replaces aspartic acid, which is acidic and polar, with histidine, which is basic and polar, at codon 732 of the SLC24A1 protein (p.Asp732His).

NM_004727.3(SLC24A1):c.2194G>C (p.Asp732His)

Gene: SLC24A1 (solute carrier family 24 member 1; plus strand). Cytogenetic location: 15q22.31.
Variant type: single nucleotide variant.
Coding change: c.2194G>C on transcript NM_004727.3 (MANE Select); coding-DNA position 2194, G replaced by C.
Protein change: p.Asp732His; replaces aspartic acid 732 with histidine.
Molecular consequence: missense variant.
Genome position (GRCh38, 1-based): chr15:65,645,665, G>C. VCF-style: chr15-65645665-G-C. GRCh37 (hg19) VCF-style: chr15-65938003-G-C.
Other names: c.175G>C, p.Asp59His (NM_001254740.2); c.2194G>C, p.Asp732His (NM_001301031.1); c.2140G>C, p.Asp714His (NM_001301032.1, NM_001301033.2); short protein forms D59H, D714H, D732H.
Identifiers: ClinVar variation 963442 (VCV000963442.9), dbSNP rs1408390175, ClinGen allele CA392897811.